The following is an entry in ClinVar:

ClinVar aggregate classification (germline): Uncertain significance (1 of 4 stars; one submission).

Conditions:
Hypertrophic cardiomyopathy. Also called: HYPERTROPHIC MYOCARDIOPATHY. Identifiers: Orphanet 217569, MedGen C0007194, MeSH D002312, MONDO:0005045, HP:0001639.

Allele frequency attached by ClinVar (database versions not stated): TOPMed below 0.00001.

Submission:

All of Us Research Program, National Institutes of Health
Classification: Uncertain significance for Hypertrophic cardiomyopathy. Last evaluated: 2023-06-26. Review status: criteria provided, single submitter. Criteria: ACMG Guidelines, 2015. Collection method: clinical testing. Allele origin: germline. Inheritance: Autosomal dominant inheritance. Observed: 1 variant allele, 1 heterozygote.
Comment: This missense variant replaces arginine with glycine at codon 162 of the TNNI3 protein. Computational prediction is inconclusive regarding the impact of this variant on protein structure and function (internally defined REVEL score threshold 0.5 < inconclusive < 0.7, PMID: 27666373). To our knowledge, functional studies have not been reported for this variant. This variant has not been reported in individuals affected with TNNI3-related disorders in the literature. This variant has not been identified in the general population by the Genome Aggregation Database (gnomAD). Different variants affecting the same codon (p.Arg162Trp, p.Arg162Gln and p.Arg162Pro), are considered to be disease-causing (ClinVar variation ID: 161396, 43389 and 43390), suggesting that glycine at this position is important for TNNI3 protein function. The available evidence is insufficient to determine the role of this variant in disease conclusively. Therefore, this variant is classified as a Variant of Uncertain Significance.

This study involves interpretation of variants in research participants for the purpose of population health screening. Participant phenotype was not available at the time of variant classification. Additional details can be found in publication PMID: 35346344, PMCID: PMC8962531

NM_000363.5(TNNI3):c.484C>G (p.Arg162Gly)

Gene: TNNI3 (troponin I3, cardiac type; minus strand). Cytogenetic location: 19q13.42.
Variant type: single nucleotide variant.
Coding change: c.484C>G on transcript NM_000363.5 (MANE Select); coding-DNA position 484, C replaced by G.
Protein change: p.Arg162Gly; replaces arginine 162 with glycine.
Molecular consequence: missense variant.
Genome position (GRCh38, 1-based): chr19:55,154,095, G>C on the plus strand (C>G on the coding strand, the complement: TNNI3 is on the minus strand). VCF-style: chr19-55154095-G-C. GRCh37 (hg19) VCF-style: chr19-55665463-G-C.
Other names: short protein forms R162G.
Identifiers: ClinVar variation 3071848 (VCV003071848.1), dbSNP rs368861241, ClinGen allele CA407440362.